The following is an entry in ClinVar:

ClinVar aggregate classification (germline): Uncertain significance (0 of 4 stars; one submission).

Conditions:
EPPK1-related disorder. Also called: EPPK1-related condition.

Submission:

PreventionGenetics, part of Exact Sciences
Classification: Uncertain significance for EPPK1-related condition. Last evaluated: 2024-06-08. Review status: no assertion criteria provided. Collection method: clinical testing. Allele origin: germline.
Comment: The EPPK1 c.6314C>A variant is predicted to result in the amino acid substitution p.Ala2105Glu. To our knowledge, this variant has not been reported in the literature or in gnomAD, indicating this variant is rare. At this time, the clinical significance of this variant is uncertain due to the absence of conclusive functional and genetic evidence.

NM_031308.4(EPPK1):c.6314C>A (p.Ala2105Glu)

Gene: EPPK1 (epiplakin 1; minus strand). Cytogenetic location: 8q24.3.
Variant type: single nucleotide variant.
Coding change: c.6314C>A on transcript NM_031308.4 (MANE Select); coding-DNA position 6314, C replaced by A.
Protein change: p.Ala2105Glu; replaces alanine 2105 with glutamic acid.
Molecular consequence: missense variant.
Genome position (GRCh38, 1-based): chr8:143,866,940, G>T on the plus strand (C>A on the coding strand, the complement: EPPK1 is on the minus strand). VCF-style: chr8-143866940-G-T. GRCh37 (hg19) VCF-style: chr8-144941108-G-T.
Other names: short protein forms A2105E.
Identifiers: ClinVar variation 3344784 (VCV003344784.1).